The following is an entry in ClinVar:

ClinVar aggregate classification (germline): Pathogenic (1 of 4 stars; one submission).

Submission:

Labcorp Genetics (formerly Invitae), Labcorp
Classification: Pathogenic. Last evaluated: 2025-05-22. Review status: criteria provided, single submitter. Criteria: Invitae Variant Classification Sherloc (09022015). Collection method: clinical testing. Allele origin: germline.
Comment: This sequence change creates a premature translational stop signal (p.Leu577Trpfs*16) in the LCA5 gene. While this is not anticipated to result in nonsense mediated decay, it is expected to disrupt the last 121 amino acid(s) of the LCA5 protein. This variant is not present in population databases (gnomAD no frequency). This variant has not been reported in the literature in individuals affected with LCA5-related conditions. This variant disrupts a region of the LCA5 protein in which other variant(s) (p.Lys586*) have been determined to be pathogenic (PMID: 23946133, 27624628). This suggests that this is a clinically significant region of the protein, and that variants that disrupt it are likely to be disease-causing. For these reasons, this variant has been classified as Pathogenic.

Literature cited by the submitters: PubMed 23946133; PubMed 27624628.

NM_001122769.3(LCA5):c.1730del (p.Leu577fs)

Gene: LCA5 (lebercilin LCA5; minus strand). Cytogenetic location: 6q14.1.
Variant type: Deletion.
Coding change: c.1730del on transcript NM_001122769.3 (MANE Select); coding-DNA position 1730, one base deleted (T; older notation c.1730delT).
Protein change: p.Leu577fs; shifts the reading frame from leucine 577.
Molecular consequence: frameshift variant.
Genome position (GRCh38, 1-based): chr6:79,487,368, A deleted on the plus strand (T on the coding strand, the reverse complement: LCA5 is on the minus strand); the first of 6 consecutive A bases (chr6:79,487,368-79,487,373); deleting any one gives the same sequence. VCF-style (leftmost placement, unchanged base first): chr6-79487367-CA-C. GRCh37 (hg19) VCF-style: chr6-80197084-CA-C.
Other names: c.1730del, p.Leu577fs (NM_181714.4); short protein forms L577fs.
Identifiers: ClinVar variation 4697565 (VCV004697565.1).
Genomic context (GRCh38, chr6:79,487,367, plus strand): 5'-TCTTGTAATTAAATCTACACCATCTTTACTAAGTTTTTCCATACTGTTTCTTTGGAAATC[CA>C]AAAAACTACTTTTTTGACTAAATGGATTTGACCTCTCTGATGTTTTTGCAAACGAAGGCA-3'